The following is an entry in ClinVar:

NM_000135.4(FANCA):c.2489T>A (p.Leu830Ter)

Gene: FANCA (FA complementation group A; minus strand). Cytogenetic location: 16q24.3.
Variant type: single nucleotide variant.
Coding change: c.2489T>A on transcript NM_000135.4 (MANE Select); coding-DNA position 2489, T replaced by A.
Protein change: p.Leu830Ter; replaces leucine 830 with a stop codon.
Molecular consequence: nonsense.
Genome position (GRCh38, 1-based): chr16:89,769,852, A>T on the plus strand (T>A on the coding strand, the complement: FANCA is on the minus strand). VCF-style: chr16-89769852-A-T. GRCh37 (hg19) VCF-style: chr16-89836260-A-T.
Other names: c.2489T>A, p.Leu830Ter (NM_001286167.3); c.2489T>A (NM_000135.3); short protein forms L830*.
Identifiers: ClinVar variation 983789 (VCV000983789.5), dbSNP rs772477788, ClinGen allele CA397443058.
Genomic context (GRCh38, chr16:89,769,852, plus strand): 5'-TTCGAGAGAGAGGAGAGAAGACGCGACTGTGGAAGAAGAGCTCACTTCAGGCAGAAGAAC[A>T]AGGAATCCCTCGTCCTACAGGTCAGGAGGCTGTCAAAGAGCGCAGGGACAGGAAGGCCAG-3'

ClinVar aggregate classification (germline): Likely pathogenic. Review status: criteria provided, multiple submitters, no conflicts (2 of 4 stars). 2 submissions from 2 submitters: Likely pathogenic (2). Last evaluated 2025-05-12.

Conditions:
Fanconi anemia (FA). Also called: Fanconi's anemia. Identifiers: Orphanet 84, MedGen C0015625, MeSH D005199, MONDO:0019391.
Fanconi anemia complementation group A (FANCA). Also called: Fanconi anemia, group A; FANCA-Related Fanconi Anemia. Identifiers: Orphanet 84, MedGen C3469521, MONDO:0009215, OMIM 227650.

gnomAD v4.1: 5 of 1,614,120 alleles (0.00031%); highest among the groups gnomAD compares: Non-Finnish European, 0.00042%; no homozygotes.

Submissions (2):

Natera, Inc.
Classification: Likely pathogenic for Fanconi anemia. Last evaluated: 2025-05-12. Review status: criteria provided, single submitter. Criteria: Natera Variant Classification Schema (03/2026). Collection method: clinical testing. Allele origin: germline.
Comment: The c.2489T>A variant in FANCA is a nonsense variant predicted to introduce a stop codon at amino acid 830. This variant is expected to result in nonsense mediated decay, truncation, or a dysfunctional protein product. This variant is rare in the general population with a frequency below the threshold expected for the associated phenotype(s). Given the available evidence, this variant is classified as Likely Pathogenic.

Myriad Genetics, Inc.
Classification: Likely pathogenic for Fanconi anemia complementation group A. Last evaluated: 2019-12-11. Review status: criteria provided, single submitter. Criteria: Myriad Women's Health Autosomal Recessive and X-Linked Classification Criteria (2019). Collection method: clinical testing. Allele origin: unknown.
Comment: NM_000135.2(FANCA):c.2489T>A(L830*) is expected to be pathogenic in the context of Fanconi anemia complementation group A. This variant is predicted to lead to an abnormal or absent protein product due to the creation of a premature termination codon in FANCA, a gene where loss-of-function variants are known to be pathogenic. Please note: this variant was assessed in the context of healthy population screening.